The following is an entry in ClinVar:

ClinVar aggregate classification (germline): Uncertain significance. Review status: criteria provided, multiple submitters, no conflicts (2 of 4 stars). 7 submissions from 7 submitters: Uncertain significance (7). Last evaluated 2025-12-06.

Conditions:
Familial adenomatous polyposis 1 (FAP1). Also called: FAMILIAL ADENOMATOUS POLYPOSIS 1, ATTENUATED; POLYPOSIS, ADENOMATOUS INTESTINAL. Identifiers: MedGen C2713442, MONDO:0021056, OMIM 175100. Disease mechanism: loss of function.
Gastric adenocarcinoma and proximal polyposis of the stomach (GAPPS). Also called: POLYPOSIS, GASTRIC; Gastric Adenocarcinoma and Proximal Polyposis of the Stomach (GAPPS); Polyposis, gastric, Dos Santos and de Magalhaes 1980. Identifiers: Orphanet 314022, MedGen C4749917, MONDO:0017790, OMIM 619182.
Desmoid disease, hereditary (DESMD). Also called: FIBROMATOSIS, FAMILIAL INFILTRATIVE. Identifiers: Orphanet 873, MedGen C1851124, OMIM 135290. Disease mechanism: loss of function.
Hepatocellular carcinoma (HCC). Also called: Primary carcinoma of liver; HEPATOMA; LIVER CELL CARCINOMA. Identifiers: Orphanet 88673, MedGen C2239176, MONDO:0007256, OMIM 114550, HP:0001402.
Gastric cancer. Also called: Malignant tumor of stomach; Stomach cancer. Identifiers: MedGen C0024623, MeSH D013274, MONDO:0001056, OMIM 613659, HP:0012126.
Colorectal cancer. Also called: Malignant Colorectal Neoplasm; Colorectal cancer, somatic. Identifiers: MedGen C0346629, MONDO:0005575, OMIM 114500.
Hereditary cancer-predisposing syndrome. Also called: Neoplastic Syndromes, Hereditary; Hereditary Cancer Syndrome; Hereditary neoplastic syndrome; Tumor predisposition. Identifiers: Orphanet 140162, MedGen C0027672, MeSH D009386, MONDO:0015356.

Allele frequency attached by ClinVar (database versions not stated): ExAC 0.00001; gnomAD exomes 0.00001.
gnomAD v4.1: 8 of 1,614,120 alleles (0.0005%); highest among the groups gnomAD compares: Non-Finnish European, 0.00068%; no homozygotes.

Submissions (7):

Labcorp Genetics (formerly Invitae), Labcorp
Classification: Uncertain significance for Familial adenomatous polyposis 1. Last evaluated: 2025-12-06. Review status: criteria provided, single submitter. Criteria: Invitae Variant Classification Sherloc (09022015). Collection method: clinical testing. Allele origin: germline.
Comment: This sequence change replaces serine, which is neutral and polar, with glycine, which is neutral and non-polar, at codon 1403 of the APC protein (p.Ser1403Gly). This variant is present in population databases (rs759317924, gnomAD 0.003%). This variant has not been reported in the literature in individuals affected with APC-related conditions. ClinVar contains an entry for this variant (Variation ID: 438878). Invitae Evidence Modeling of protein sequence and biophysical properties (such as structural, functional, and spatial information, amino acid conservation, physicochemical variation, residue mobility, and thermodynamic stability) indicates that this missense variant is not expected to disrupt APC protein function with a negative predictive value of 95%. In summary, the available evidence is currently insufficient to determine the role of this variant in disease. Therefore, it has been classified as a Variant of Uncertain Significance.

Color Diagnostics, LLC DBA Color Health
Classification: Uncertain significance for Hereditary cancer-predisposing syndrome. Last evaluated: 2025-06-23. Review status: criteria provided, single submitter. Criteria: ACMG Guidelines, 2015. Collection method: clinical testing. Allele origin: germline.
Comment: This missense variant replaces serine with glycine at codon 1403 of the APC protein. Computational prediction is inconclusive regarding the impact of this variant on protein structure and function. To our knowledge, functional studies have not been reported for this variant. This variant has not been reported in individuals affected with APC-related disorders in the literature. This variant has been identified in 3/251032 chromosomes in the general population by the Genome Aggregation Database (gnomAD). The available evidence is insufficient to determine the role of this variant in disease conclusively. Therefore, this variant is classified as a Variant of Uncertain Significance.

Ambry Genetics
Classification: Uncertain significance for Hereditary cancer-predisposing syndrome. Last evaluated: 2025-03-05. Review status: criteria provided, single submitter. Criteria: Ambry Variant Classification Scheme 2023. Collection method: clinical testing. Allele origin: germline.
Comment: The p.S1403G variant (also known as c.4207A>G), located in coding exon 15 of the APC gene, results from an A to G substitution at nucleotide position 4207. The serine at codon 1403 is replaced by glycine, an amino acid with similar properties. Missense alterations in APC are not a common cause of disease (Spier I et al. Genet Med. 2024 Feb;26(2):100992). This amino acid position is highly conserved in available vertebrate species. In addition, in silico predictors for this gene do not accurately predict pathogenicity. Based on the available evidence, the clinical significance of this variant remains unclear.

Fulgent Genetics
Classification: Uncertain significance for Colorectal cancer; Hepatocellular carcinoma; Desmoid disease, hereditary; Familial adenomatous polyposis 1; Gastric cancer; Gastric adenocarcinoma and proximal polyposis of the stomach. Last evaluated: 2024-04-21. Review status: criteria provided, single submitter. Criteria: ACMG Guidelines, 2015. Collection method: clinical testing. Allele origin: germline.

Sema4
Classification: Uncertain significance for Hereditary cancer-predisposing syndrome. Last evaluated: 2022-02-02. Review status: criteria provided, single submitter. Criteria: Sema4 Curation Guidelines. Collection method: curation. Allele origin: germline.
Comment: The APC c.4207A>G (p.S1403G) variant has not been reported in the literature to our knowledge. It was observed in 3/113348 chromosomes of the Non-Finnish European subpopulation in the large and broad cohorts of the Genome Aggregation Database (PMID: 32461654). This variant has been reported in ClinVar (Variation ID: 438878). Functional studies have not been performed, and in silico predictions of the variant's effect on protein function are inconclusive. The evidence is insufficient to meet ACMG/AMP criteria for classifying the variant as benign or pathogenic. Thus, the clinical significance of this variant is currently uncertain.

GeneDx
Classification: Uncertain significance. Last evaluated: 2019-11-22. Review status: criteria provided, single submitter. Criteria: GeneDx Variant Classification Process June 2021. Collection method: clinical testing. Allele origin: germline. Affected: yes.
Comment: In silico analysis, which includes protein predictors and evolutionary conservation, supports a deleterious effect; Has not been previously published as pathogenic or benign to our knowledge

Quest Diagnostics Nichols Institute San Juan Capistrano
Classification: Uncertain significance. Last evaluated: 2017-06-16. Review status: criteria provided, single submitter. Criteria: Quest Diagnostics criteria. Collection method: clinical testing. Allele origin: germline.

NM_000038.6(APC):c.4207A>G (p.Ser1403Gly)

Gene: APC (APC regulator of Wnt signaling pathway; plus strand). Cytogenetic location: 5q22.2.
Variant type: single nucleotide variant.
Coding change: c.4207A>G on transcript NM_000038.6 (MANE Select); coding-DNA position 4207, A replaced by G.
Protein change: p.Ser1403Gly; replaces serine 1403 with glycine.
Molecular consequence: missense variant.
Genome position (GRCh38, 1-based): chr5:112,839,801, A>G. VCF-style: chr5-112839801-A-G. GRCh37 (hg19) VCF-style: chr5-112175498-A-G.
Other names: c.4207A>G, p.Ser1403Gly (NM_001127510.3, NM_001354895.2); c.4153A>G, p.Ser1385Gly (NM_001127511.3); c.4261A>G, p.Ser1421Gly (NM_001354896.2); c.4237A>G, p.Ser1413Gly (NM_001354897.2); c.4132A>G, p.Ser1378Gly (NM_001354898.2); c.4123A>G, p.Ser1375Gly (NM_001354899.2); c.4084A>G, p.Ser1362Gly (NM_001354900.2); c.4030A>G, p.Ser1344Gly (NM_001354901.2); and 5 more; short protein forms S1385G, S1403G, S1120G, S1302G, S1362G, S1421G, S1277G, S1344G.
Identifiers: ClinVar variation 438878 (VCV000438878.24), dbSNP rs759317924, ClinGen allele CA037948.